The following is an entry in ClinVar:

ClinVar aggregate classification (germline): Uncertain significance (1 of 4 stars; one submission).

Conditions:
Multiple sulfatase deficiency (MSD). Also called: Mucosulfatidosis; Multiple Sulfatase Deficiency Disease; Sulfatidosis, Juvenile, Austin Type. Identifiers: Orphanet 585, MedGen C0268263, MONDO:0010088, OMIM 272200.

Allele frequency attached by ClinVar (database versions not stated): gnomAD exomes below 0.00001 and 0.00002; ExAC 0.00002.
gnomAD v4.1: 2 of 1,587,318 alleles (0.00013%); highest among the groups gnomAD compares: South Asian, 0.0011%; no homozygotes.

Submission:

Labcorp Genetics (formerly Invitae), Labcorp
Classification: Uncertain significance for Multiple sulfatase deficiency. Last evaluated: 2021-09-24. Review status: criteria provided, single submitter. Criteria: Invitae Variant Classification Sherloc (09022015). Collection method: clinical testing. Allele origin: germline.
Comment: This sequence change replaces alanine with glycine at codon 74 of the SUMF1 protein (p.Ala74Gly). The alanine residue is moderately conserved and there is a small physicochemical difference between alanine and glycine. The frequency data for this variant in the population databases is considered unreliable, as metrics indicate poor data quality at this position in the ExAC database. This variant has not been reported in the literature in individuals with SUMF1-related conditions. Algorithms developed to predict the effect of missense changes on protein structure and function are either unavailable or do not agree on the potential impact of this missense change (SIFT: "Deleterious"; PolyPhen-2: "Benign"; Align-GVGD: "Class C0"). Algorithms developed to predict the effect of sequence changes on RNA splicing suggest that this variant may create or strengthen a splice site, but this prediction has not been confirmed by published transcriptional studies. In summary, the available evidence is currently insufficient to determine the role of this variant in disease. Therefore, it has been classified as a Variant of Uncertain Significance.

NM_182760.4(SUMF1):c.221C>G (p.Ala74Gly)

Genes: SUMF1 (sulfatase modifying factor 1; minus strand), LOC129936056 (ATAC-STARR-seq lymphoblastoid silent region 14016; plus strand). Cytogenetic location: 3p26.1.
Variant type: single nucleotide variant.
Coding change: c.221C>G on transcript NM_182760.4 (MANE Select); coding-DNA position 221, C replaced by G.
Protein change: p.Ala74Gly; replaces alanine 74 with glycine.
Molecular consequence: missense variant.
Genome position (GRCh38, 1-based): chr3:4,467,025, G>C on the plus strand (C>G on the coding strand, the complement: SUMF1 is on the minus strand). VCF-style: chr3-4467025-G-C. GRCh37 (hg19) VCF-style: chr3-4508709-G-C.
Other names: c.221C>G, p.Ala74Gly (NM_001164674.2, NM_001164675.2); short protein forms A74G.
Identifiers: ClinVar variation 1403623 (VCV001403623.5), dbSNP rs750170847, ClinGen allele CA2230687.